The following is an entry in ClinVar:

NM_022051.3(EGLN1):c.276G>C (p.Glu92Asp)

Gene: EGLN1 (egl-9 family hypoxia inducible factor 1; minus strand). Cytogenetic location: 1q42.2.
Variant type: single nucleotide variant.
Coding change: c.276G>C on transcript NM_022051.3 (MANE Select); coding-DNA position 276, G replaced by C.
Protein change: p.Glu92Asp; replaces glutamic acid 92 with aspartic acid.
Molecular consequence: missense variant.
Genome position (GRCh38, 1-based): chr1:231,421,613, C>G on the plus strand (G>C on the coding strand, the complement: EGLN1 is on the minus strand). VCF-style: chr1-231421613-C-G. GRCh37 (hg19) VCF-style: chr1-231557359-C-G.
Other names: c.276G>C, p.Glu92Asp (NM_001377260.1, NM_001377261.1); short protein forms E92D.
Identifiers: ClinVar variation 435034 (VCV000435034.11), dbSNP rs992728216, ClinGen allele CA38948938.

ClinVar aggregate classification (germline): Conflicting classifications of pathogenicity. Review status: criteria provided, conflicting classifications (1 of 4 stars). 3 submissions from 3 submitters: Uncertain significance (2); Likely benign (1). Last evaluated 2026-01-04.

Conditions:
Erythrocytosis, familial, 3 (ECYT3). Identifiers: Orphanet 247511, MedGen C1853286, MONDO:0012353, OMIM 609820.

Allele frequency attached by ClinVar (database versions not stated): gnomAD 0.00011 and 0.00014; TOPMed 0.00012.
gnomAD v4.1: 26 of 1,349,984 alleles (0.0019%); highest among the groups gnomAD compares: African/African-American, 0.04%; no homozygotes.

Submissions (3):

Labcorp Genetics (formerly Invitae), Labcorp
Classification: Uncertain significance for Erythrocytosis, familial, 3. Last evaluated: 2026-01-04. Review status: criteria provided, single submitter. Criteria: Invitae Variant Classification Sherloc (09022015). Collection method: clinical testing. Allele origin: germline.
Comment: This sequence change replaces glutamic acid, which is acidic and polar, with aspartic acid, which is acidic and polar, at codon 92 of the EGLN1 protein (p.Glu92Asp). This variant is present in population databases (no rsID available, gnomAD 0.03%). This variant has not been reported in the literature in individuals affected with EGLN1-related conditions. ClinVar contains an entry for this variant (Variation ID: 435034). An algorithm developed to predict the effect of missense changes on protein structure and function (PolyPhen-2) suggests that this variant is likely to be tolerated. In summary, the available evidence is currently insufficient to determine the role of this variant in disease. Therefore, it has been classified as a Variant of Uncertain Significance.

Ambry Genetics
Classification: Uncertain significance. Last evaluated: 2025-08-13. Review status: criteria provided, single submitter. Criteria: Ambry Variant Classification Scheme 2023. Collection method: clinical testing. Allele origin: germline.

Genetic Services Laboratory, University of Chicago
Classification: Likely benign. Last evaluated: 2016-12-30. Review status: criteria provided, single submitter. Criteria: ACMG Guidelines, 2015. Collection method: clinical testing. Allele origin: germline. Affected: no.